The following is an entry in ClinVar:

NC_000011.9:g.(?_17526184)_(17548597_?)del

Gene: USH1C (USH1 protein network component harmonin; minus strand). Cytogenetic location: 11p15.1.
Variant type: Deletion.
Identifiers: ClinVar variation 1072244 (VCV001072244.5).

ClinVar aggregate classification (germline): Pathogenic (1 of 4 stars; one submission).

Submission:

Labcorp Genetics (formerly Invitae), Labcorp
Classification: Pathogenic. Last evaluated: 2020-05-03. Review status: criteria provided, single submitter. Criteria: Invitae Variant Classification Sherloc (09022015). Collection method: clinical testing. Allele origin: germline.
Comment: For these reasons, this variant has been classified as Pathogenic. Loss-of-function variants in USH1C are known to be pathogenic (PMID: 10973247, 17407589, 20301442, 21203349). This variant has not been reported in the literature in individuals with USH1C-related conditions. This variant is an out-of-frame deletion of the genomic region encompassing exons 7-15 of the USH1C gene. This is expected to create a premature translational stop signal and result in an absent or disrupted protein product. This deletion may extend further upstream beyond exon 7, however, this cannot be determined by this assay because del/dup assessment is not offered for exons 5-6 of the USH1C gene.

Literature cited by the submitters: PubMed 10973247; PubMed 17407589; PubMed 20301442; PubMed 21203349.